The following is an entry in ClinVar:

ClinVar aggregate classification (germline): Likely benign. Review status: criteria provided, multiple submitters, no conflicts (2 of 4 stars). 4 submissions from 4 submitters: Likely benign (3). 1 of the submissions does not count toward it. Last evaluated 2025-08-06.

Conditions:
MYO15A-related disorder. Also called: MYO15A-related condition.

Allele frequency attached by ClinVar (database versions not stated): ESP Exome Variant Server 0.00049; TOPMed 0.00076; gnomAD 0.00077; 1000 Genomes Project 0.00100; 1000 Genomes Project 30x 0.00109.
gnomAD v4.1: 250 of 1,612,956 alleles (0.015%); highest among the groups gnomAD compares: African/African-American, 0.3%; 1 homozygote.

Submissions (4):

Labcorp Genetics (formerly Invitae), Labcorp
Classification: Likely benign. Last evaluated: 2025-08-06. Review status: criteria provided, single submitter. Criteria: Invitae Variant Classification Sherloc (09022015). Collection method: clinical testing. Allele origin: germline.

GeneDx
Classification: Likely benign. Last evaluated: 2020-11-13. Review status: criteria provided, single submitter. Criteria: GeneDx Variant Classification Process June 2021. Collection method: clinical testing. Allele origin: germline. Affected: yes.

Laboratory for Molecular Medicine, Mass General Brigham Personalized Medicine
Classification: Likely benign. Last evaluated: 2012-04-30. Review status: criteria provided, single submitter. Criteria: LMM Criteria. Collection method: clinical testing. Allele origin: germline. Observed: 1 variant allele.
Comment: Ser323Ser in Exon 02 of MYO15A: This variant is not expected to have clinical significance because it does not alter an amino acid residue, is not located within the splice consensus sequence, and has been identified in 0.2% (5/3266) of African American chromosomes from a broad population by the NHLBI Exome Sequencing Project.

PreventionGenetics, part of Exact Sciences
Classification: Likely benign for MYO15A-related condition. Last evaluated: 2024-06-28. Review status: no assertion criteria provided. Collection method: clinical testing. Allele origin: germline. Not counted in ClinVar's aggregate classification.
Comment: This variant is classified as likely benign based on ACMG/AMP sequence variant interpretation guidelines (Richards et al. 2015 PMID: 25741868, with internal and published modifications).

NM_016239.4(MYO15A):c.969G>A (p.Ser323=)

Gene: MYO15A (myosin XVA; plus strand). Cytogenetic location: 17p11.2.
Variant type: single nucleotide variant.
Coding change: c.969G>A on transcript NM_016239.4 (MANE Select); coding-DNA position 969, G replaced by A.
Protein change: p.Ser323=; no amino-acid change (serine 323 retained).
Molecular consequence: synonymous variant.
Genome position (GRCh38, 1-based): chr17:18,119,769, G>A. VCF-style: chr17-18119769-G-A. GRCh37 (hg19) VCF-style: chr17-18023083-G-A.
Identifiers: ClinVar variation 727139 (VCV000727139.15), dbSNP rs371387378, ClinGen allele CA8422992.